The following is an entry in ClinVar:

NM_000057.4(BLM):c.3043A>G (p.Thr1015Ala)

Gene: BLM (BLM RecQ like helicase; plus strand). Cytogenetic location: 15q26.1.
Variant type: single nucleotide variant.
Coding change: c.3043A>G on transcript NM_000057.4 (MANE Select); coding-DNA position 3043, A replaced by G.
Protein change: p.Thr1015Ala; replaces threonine 1015 with alanine.
Molecular consequence: missense variant.
Genome position (GRCh38, 1-based): chr15:90,794,190, A>G. VCF-style: chr15-90794190-A-G. GRCh37 (hg19) VCF-style: chr15-91337420-A-G.
Other names: c.3043A>G (NM_000057.2); c.3043A>G, p.Thr1015Ala (NM_001287246.2, NM_001287247.2); c.1918A>G, p.Thr640Ala (NM_001287248.2); short protein forms T1015A, T640A.
Identifiers: ClinVar variation 1001746 (VCV001001746.9), dbSNP rs1896972529, ClinGen allele CA393846702.
Genomic context (GRCh38, chr15:90,794,190, plus strand): 5'-TATAAGTATGTCTTACTATAGTCTTCATCTCTTTTAGTGGAAAAAGATGGAAACCATCAT[A>G]CAAGAGAAACTCACTTCAATAATTTGTATAGCATGGTACATTACTGTGAAAATATAACGG-3'
Protein context (NP_000048.1, residues 1005-1025): IMMEKDGNHH[Thr1015Ala]RETHFNNLYS

ClinVar aggregate classification (germline): Uncertain significance. Review status: criteria provided, multiple submitters, no conflicts (2 of 4 stars). 2 submissions from 2 submitters: Uncertain significance (2). Last evaluated 2025-01-08.

Conditions:
Hereditary cancer-predisposing syndrome. Also called: Neoplastic Syndromes, Hereditary; Tumor predisposition; Hereditary Cancer Syndrome; Hereditary neoplastic syndrome. Identifiers: Orphanet 140162, MedGen C0027672, MeSH D009386, MONDO:0015356.
Bloom syndrome (BLM). Also called: Bloom-Torre-Machacek syndrome. Identifiers: Orphanet 125, MedGen C0005859, MONDO:0008876, OMIM 210900.

Submissions (2):

Labcorp Genetics (formerly Invitae), Labcorp
Classification: Uncertain significance for Bloom syndrome. Last evaluated: 2025-01-08. Review status: criteria provided, single submitter. Criteria: Invitae Variant Classification Sherloc (09022015). Collection method: clinical testing. Allele origin: germline.
Comment: This sequence change replaces threonine, which is neutral and polar, with alanine, which is neutral and non-polar, at codon 1015 of the BLM protein (p.Thr1015Ala). This variant is not present in population databases (gnomAD no frequency). This variant has not been reported in the literature in individuals affected with BLM-related conditions. ClinVar contains an entry for this variant (Variation ID: 1001746). Invitae Evidence Modeling of protein sequence and biophysical properties (such as structural, functional, and spatial information, amino acid conservation, physicochemical variation, residue mobility, and thermodynamic stability) indicates that this missense variant is not expected to disrupt BLM protein function with a negative predictive value of 80%. In summary, the available evidence is currently insufficient to determine the role of this variant in disease. Therefore, it has been classified as a Variant of Uncertain Significance.

Ambry Genetics
Classification: Uncertain significance for Hereditary cancer-predisposing syndrome. Last evaluated: 2024-07-18. Review status: criteria provided, single submitter. Criteria: Ambry Variant Classification Scheme 2023. Collection method: clinical testing. Allele origin: germline.
Comment: The p.T1015A variant (also known as c.3043A>G), located in coding exon 15 of the BLM gene, results from an A to G substitution at nucleotide position 3043. The threonine at codon 1015 is replaced by alanine, an amino acid with similar properties. This amino acid position is conserved. In addition, the in silico prediction for this alteration is inconclusive. Based on the available evidence, the clinical significance of this variant remains unclear.